The following is an entry in ClinVar:

NM_001082538.3(TCTN1):c.1441G>A (p.Asp481Asn)

Gene: TCTN1 (tectonic family member 1; plus strand). Cytogenetic location: 12q24.11.
Variant type: single nucleotide variant.
Coding change: c.1441G>A on transcript NM_001082538.3 (MANE Select); coding-DNA position 1441, G replaced by A.
Protein change: p.Asp481Asn; replaces aspartic acid 481 with asparagine.
Molecular consequence: missense variant. On other transcripts: non-coding transcript variant (1).
Genome position (GRCh38, 1-based): chr12:110,645,076, G>A. VCF-style: chr12-110645076-G-A. GRCh37 (hg19) VCF-style: chr12-111082881-G-A.
Other names: c.1441G>A, p.Asp481Asn (NM_001082537.3); c.1273G>A, p.Asp425Asn (NM_001173975.3); c.1114G>A, p.Asp372Asn (NM_001173976.2); c.1294G>A, p.Asp432Asn (NM_001319680.2); c.907G>A, p.Asp303Asn (NM_001319681.2); c.1399G>A, p.Asp467Asn (NM_024549.6); short protein forms D425N, D432N, D467N, D481N, D303N, D372N.
Identifiers: ClinVar variation 1429855 (VCV001429855.4), dbSNP rs891438919, ClinGen allele CA243568278.

ClinVar aggregate classification (germline): Uncertain significance (1 of 4 stars; one submission).

Conditions:
Joubert syndrome. Also called: CEREBELLOPARENCHYMAL DISORDER IV; JOUBERT-BOLTSHAUSER SYNDROME; Familial aplasia of the vermis. Identifiers: Orphanet 475, MedGen C5979921, MONDO:0018772.
Meckel-Gruber syndrome. Also called: DYSENCEPHALIA SPLANCHNOCYSTICA; GRUBER SYNDROME; Dysencephalia splachnocystica. Identifiers: Orphanet 564, MedGen C0265215, MONDO:0018921.

Allele frequency attached by ClinVar (database versions not stated): gnomAD 0.00001; gnomAD exomes 0.00001; TOPMed 0.00003.

Submission:

Labcorp Genetics (formerly Invitae), Labcorp
Classification: Uncertain significance for Joubert syndrome; Meckel-Gruber syndrome. Last evaluated: 2021-08-17. Review status: criteria provided, single submitter. Criteria: Invitae Variant Classification Sherloc (09022015). Collection method: clinical testing. Allele origin: germline.
Comment: This sequence change replaces aspartic acid with asparagine at codon 481 of the TCTN1 protein (p.Asp481Asn). The aspartic acid residue is highly conserved and there is a small physicochemical difference between aspartic acid and asparagine. This variant is not present in population databases (ExAC no frequency). This variant has not been reported in the literature in individuals affected with TCTN1-related conditions. Algorithms developed to predict the effect of missense changes on protein structure and function output the following: SIFT: "Tolerated"; PolyPhen-2: "Benign"; Align-GVGD: "Class C0". The asparagine amino acid residue is found in multiple mammalian species, which suggests that this missense change does not adversely affect protein function. In summary, the available evidence is currently insufficient to determine the role of this variant in disease. Therefore, it has been classified as a Variant of Uncertain Significance.